The following is an entry in ClinVar:

NM_005591.4(MRE11):c.376C>G (p.His126Asp)

Gene: MRE11 (MRE11 double strand break repair nuclease; minus strand). Cytogenetic location: 11q21.
Variant type: single nucleotide variant.
Coding change: c.376C>G on transcript NM_005591.4 (MANE Select); coding-DNA position 376, C replaced by G.
Protein change: p.His126Asp; replaces histidine 126 with aspartic acid.
Molecular consequence: missense variant.
Genome position (GRCh38, 1-based): chr11:94,479,700, G>C on the plus strand (C>G on the coding strand, the complement: MRE11 is on the minus strand). VCF-style: chr11-94479700-G-C. GRCh37 (hg19) VCF-style: chr11-94212866-G-C.
Other names: c.376C>G, p.His126Asp (NM_005590.4, NM_001330347.2); short protein forms H126D.
Identifiers: ClinVar variation 1800065 (VCV001800065.2), dbSNP rs2135090994, ClinGen allele CA382378354.

ClinVar aggregate classification (germline): Uncertain significance (1 of 4 stars; one submission).

Conditions:
Hereditary cancer-predisposing syndrome. Also called: Neoplastic Syndromes, Hereditary; Tumor predisposition; Hereditary Cancer Syndrome; Hereditary neoplastic syndrome. Identifiers: Orphanet 140162, MedGen C0027672, MeSH D009386, MONDO:0015356.

Submission:

Ambry Genetics
Classification: Uncertain significance for Hereditary cancer-predisposing syndrome. Last evaluated: 2022-03-16. Review status: criteria provided, single submitter. Criteria: Ambry Variant Classification Scheme 2023. Collection method: clinical testing. Allele origin: germline.
Comment: The p.H126D variant (also known as c.376C>G), located in coding exon 4 of the MRE11A gene, results from a C to G substitution at nucleotide position 376. The histidine at codon 126 is replaced by aspartic acid, an amino acid with similar properties. This amino acid position is conserved. In addition, this alteration is predicted to be deleterious by in silico analysis. Since supporting evidence is limited at this time, the clinical significance of this alteration remains unclear.